The following is an entry in ClinVar:

NM_003073.5(SMARCB1):c.500+234C>G

Gene: SMARCB1 (SWI/SNF related BAF chromatin remodeling complex subunit B1; plus strand). Cytogenetic location: 22q11.23.
Variant type: single nucleotide variant.
Coding change: c.500+234C>G on transcript NM_003073.5 (MANE Select); 234 bases into the intron after coding-DNA position 500, C replaced by G.
Molecular consequence: intron variant.
Genome position (GRCh38, 1-based): chr22:23,801,315, C>G. VCF-style: chr22-23801315-C-G. GRCh37 (hg19) VCF-style: chr22-24143502-C-G.
Other names: c.554+180C>G (NM_001362877.2); c.527+180C>G (NM_001317946.2); c.473+234C>G (NM_001007468.3).
Identifiers: ClinVar variation 133392 (VCV000133392.4), dbSNP rs738797, ClinGen allele CA156484.

ClinVar aggregate classification (germline): Benign. Review status: criteria provided, multiple submitters, no conflicts (2 of 4 stars). 3 submissions from 3 submitters: Benign (2). 1 of the submissions does not count toward it. Last evaluated 2018-06-24.

Allele frequency attached by ClinVar (database versions not stated): 1000 Genomes Project 30x 0.70472; 1000 Genomes Project 0.71166; TOPMed 0.78731; ExAC 0.79394; gnomAD 0.80228 and 0.80402.
gnomAD v4.1: 612,858 of 719,486 alleles (85%); highest among the groups gnomAD compares: Non-Finnish European, 92%; 265,687 homozygotes.

Submissions (3):

GeneDx
Classification: Benign. Last evaluated: 2018-06-24. Review status: criteria provided, single submitter. Criteria: GeneDx Variant Classification Process June 2021. Collection method: clinical testing. Allele origin: germline. Affected: yes.
Comment: This variant is associated with the following publications: (PMID: 24728327)

Breakthrough Genomics
Classification: Benign. Review status: criteria provided, single submitter. Criteria: ACMG Guidelines, 2015. Collection method: not provided. Allele origin: germline. Inheritance: Autosomal dominant inheritance. Affected: yes.

ITMI
No classification provided. Condition: AllHighlyPenetrant. Last evaluated: 2013-09-19. Review status: no classification provided. Collection method: reference population. Allele origin: germline. Not counted in ClinVar's aggregate classification.
Comment: Please see associated publication for description of ethnicities

Literature cited by the submitters: PubMed 24728327 (cited by ITMI).